The following is an entry in ClinVar:

ClinVar aggregate classification (germline): other (0 of 4 stars; one submission).

Conditions:
Familial colorectal cancer. Identifiers: MedGen CN280943, MONDO:0023113. Disease mechanism: loss of function.

Submission:

Systems Biology Platform Zhejiang California International NanoSystems Institute
Classification: other for Familial colorectal cancer. Review status: no assertion criteria provided. Collection method: not provided. Allele origin: unknown.
ClinVar note: Converted during submission from cancer to other.

NC_000005.10:g.112849398A>G

Variant type: single nucleotide variant.
Genome position: GRCh38 VCF-style: chr5-112849398-A-G. GRCh37 (hg19) VCF-style: chr5-112185095-A-G.
Identifiers: ClinVar variation 83291 (VCV000083291.3), dbSNP rs76001065, ClinGen allele CA250983.
Genomic context (GRCh38, chr5:112,849,398, plus strand): 5'-CAGAGCGAGGGAAAAAATAAATAAATAATAAAAAAAATTAAAAAAAAACAATAGGAAGAG[A>G]AGAATAGGTTGCCTTAAAAGAAAAAAGTTGGCATCAAATATCTCTGTAATACTAAATGTC-3'